The following is an entry in ClinVar:

NM_001999.4(FBN2):c.6299G>A (p.Arg2100His)

Gene: FBN2 (fibrillin 2; minus strand). Cytogenetic location: 5q23.3.
Variant type: single nucleotide variant.
Coding change: c.6299G>A on transcript NM_001999.4 (MANE Select); coding-DNA position 6299, G replaced by A.
Protein change: p.Arg2100His; replaces arginine 2100 with histidine.
Molecular consequence: missense variant.
Genome position (GRCh38, 1-based): chr5:128,290,878, C>T on the plus strand (G>A on the coding strand, the complement: FBN2 is on the minus strand). VCF-style: chr5-128290878-C-T. GRCh37 (hg19) VCF-style: chr5-127626570-C-T.
Other names: short protein forms R2100H.
Identifiers: ClinVar variation 1444060 (VCV001444060.6), dbSNP rs746758405, ClinGen allele CA3394439.

ClinVar aggregate classification (germline): Uncertain significance (1 of 4 stars; one submission).

Conditions:
Congenital contractural arachnodactyly (CCA). Also called: BEALS SYNDROME; Arthrogryposis, distal, type 9; Beals-Hecht syndrome. Identifiers: Orphanet 115, MedGen C0220668, MONDO:0007363, OMIM 121050.

Allele frequency attached by ClinVar (database versions not stated): gnomAD exomes below 0.00001 and 0.00001; TOPMed below 0.00001; ExAC 0.00001.
gnomAD v4.1: 4 of 1,613,694 alleles (0.00025%); highest among the groups gnomAD compares: Non-Finnish European, 0.00034%; no homozygotes.

Submission:

Labcorp Genetics (formerly Invitae), Labcorp
Classification: Uncertain significance for Congenital contractural arachnodactyly. Last evaluated: 2021-12-19. Review status: criteria provided, single submitter. Criteria: Invitae Variant Classification Sherloc (09022015). Collection method: clinical testing. Allele origin: germline.
Comment: This sequence change replaces arginine, which is basic and polar, with histidine, which is basic and polar, at codon 2100 of the FBN2 protein (p.Arg2100His). This variant is present in population databases (rs746758405, gnomAD 0.0009%). This variant has not been reported in the literature in individuals affected with FBN2-related conditions. Algorithms developed to predict the effect of missense changes on protein structure and function are either unavailable or do not agree on the potential impact of this missense change (SIFT: "Deleterious"; PolyPhen-2: "Probably Damaging"; Align-GVGD: "Class C0"). In summary, the available evidence is currently insufficient to determine the role of this variant in disease. Therefore, it has been classified as a Variant of Uncertain Significance.